The following is an entry in ClinVar:

NC_000005.9:g.(?_112162795)_(112164679_?)del

Gene: APC (APC regulator of Wnt signaling pathway; plus strand). Cytogenetic location: 5q22.2.
Variant type: Deletion.
Identifiers: ClinVar variation 2422171 (VCV002422171.4).

ClinVar aggregate classification (germline): Pathogenic (1 of 4 stars; one submission).

Conditions:
Familial adenomatous polyposis 1 (FAP1). Also called: FAMILIAL ADENOMATOUS POLYPOSIS 1, ATTENUATED; POLYPOSIS, ADENOMATOUS INTESTINAL. Identifiers: MedGen C2713442, MONDO:0021056, OMIM 175100. Disease mechanism: loss of function.

Submission:

Labcorp Genetics (formerly Invitae), Labcorp
Classification: Pathogenic for Familial adenomatous polyposis 1. Last evaluated: 2023-03-10. Review status: criteria provided, single submitter. Criteria: Invitae Variant Classification Sherloc (09022015). Collection method: clinical testing. Allele origin: germline.
Comment: For these reasons, this variant has been classified as Pathogenic. This variant has not been reported in the literature in individuals affected with APC-related conditions. This variant is a gross deletion of the genomic region encompassing exon(s) 12-14 of the APC gene. This deletion is out-of-frame, and is expected to create a premature termination codon and result in an absent or disrupted protein product. Loss-of-function variants in APC are known to be pathogenic (PMID: 17963004, 20685668).

Literature cited by the submitters: PubMed 17963004; PubMed 20685668.